The following is an entry in ClinVar:

NM_002485.5(NBN):c.364G>A (p.Val122Ile)

Gene: NBN (nibrin; minus strand). Cytogenetic location: 8q21.3.
Variant type: single nucleotide variant.
Coding change: c.364G>A on transcript NM_002485.5 (MANE Select); coding-DNA position 364, G replaced by A.
Protein change: p.Val122Ile; replaces valine 122 with isoleucine.
Molecular consequence: missense variant.
Genome position (GRCh38, 1-based): chr8:89,980,850, C>T on the plus strand (G>A on the coding strand, the complement: NBN is on the minus strand). VCF-style: chr8-89980850-C-T. GRCh37 (hg19) VCF-style: chr8-90993078-C-T.
Other names: c.118G>A, p.Val40Ile (NM_001024688.3); short protein forms V122I, V40I.
Identifiers: ClinVar variation 187336 (VCV000187336.5), dbSNP rs786203652, ClinGen allele CA197382.

ClinVar aggregate classification (germline): Uncertain significance (1 of 4 stars; one submission).

Conditions:
Hereditary cancer-predisposing syndrome. Also called: Neoplastic Syndromes, Hereditary; Tumor predisposition; Hereditary Cancer Syndrome; Hereditary neoplastic syndrome. Identifiers: Orphanet 140162, MedGen C0027672, MeSH D009386, MONDO:0015356.

Submission:

Ambry Genetics
Classification: Uncertain significance for Hereditary cancer-predisposing syndrome. Last evaluated: 2019-11-21. Review status: criteria provided, single submitter. Criteria: Ambry Variant Classification Scheme 2023. Collection method: clinical testing. Allele origin: germline.
Comment: The p.V122I variant (also known as c.364G>A), located in coding exon 4 of the NBN gene, results from a G to A substitution at nucleotide position 364. The valine at codon 122 is replaced by isoleucine, an amino acid with highly similar properties. This amino acid position is not well conserved in available vertebrate species. In addition, this alteration is predicted to be tolerated by in silico analysis. Since supporting evidence is limited at this time, the clinical significance of this alteration remains unclear.